The following is an entry in ClinVar:

NC_000007.14:g.(?_146774251)_(146774401_?)del

Gene: CNTNAP2 (contactin associated protein 2; plus strand). Cytogenetic location: 7q35.
Variant type: Deletion.
Identifiers: ClinVar variation 640453 (VCV000640453.9).

ClinVar aggregate classification (germline): Likely pathogenic (1 of 4 stars; one submission).

Conditions:
Cortical dysplasia-focal epilepsy syndrome (PTHSL1). Also called: Pitt-Hopkins-like syndrome 1. Identifiers: Orphanet 163681, Orphanet 221150, MedGen C2750246, MONDO:0012400, OMIM 610042.

Submission:

Labcorp Genetics (formerly Invitae), Labcorp
Classification: Likely pathogenic for Cortical dysplasia-focal epilepsy syndrome. Last evaluated: 2023-11-27. Review status: criteria provided, single submitter. Criteria: Invitae Variant Classification Sherloc (09022015). Collection method: clinical testing. Allele origin: germline.
Comment: This variant is a gross deletion of the genomic region encompassing exon(s) 2 of the CNTNAP2 gene. This variant would be expected to be in-frame, preserving the integrity of the reading frame. A similar copy number variant has been observed in individual(s) with CNTNAP2-related conditions (PMID: 33895390, 34621295). In at least one individual the data is consistent with being in trans (on the opposite chromosome) from a pathogenic variant. In summary, the currently available evidence indicates that the variant is pathogenic, but additional data are needed to prove that conclusively. Therefore, this variant has been classified as Likely Pathogenic.

Literature cited by the submitters: PubMed 33895390; PubMed 34621295.